The following is an entry in ClinVar:

NM_017841.4(SDHAF2):c.228G>C (p.Lys76Asn)

Gene: SDHAF2 (succinate dehydrogenase complex assembly factor 2; plus strand). Cytogenetic location: 11q12.2.
Variant type: single nucleotide variant.
Coding change: c.228G>C on transcript NM_017841.4 (MANE Select); coding-DNA position 228, G replaced by C.
Protein change: p.Lys76Asn; replaces lysine 76 with asparagine.
Molecular consequence: missense variant.
Genome position (GRCh38, 1-based): chr11:61,437,816, G>C. VCF-style: chr11-61437816-G-C. GRCh37 (hg19) VCF-style: chr11-61205288-G-C.
Other names: short protein forms K76N.
Identifiers: ClinVar variation 2089394 (VCV002089394.4), dbSNP rs2134892475, ClinGen allele CA380683766.

ClinVar aggregate classification (germline): Uncertain significance (1 of 4 stars; one submission).

Conditions:
Hereditary pheochromocytoma and paraganglioma. Also called: Hereditary paragangliomas and pheochromocytomas; Hereditary Paraganglioma-Pheochromocytoma Syndromes; Hereditary pheochromocytoma-paraganglioma. Identifiers: Orphanet 29072, MedGen C4274332, MONDO:0017366.

Submission:

Labcorp Genetics (formerly Invitae), Labcorp
Classification: Uncertain significance for Hereditary pheochromocytoma and paraganglioma. Last evaluated: 2022-02-02. Review status: criteria provided, single submitter. Criteria: Invitae Variant Classification Sherloc (09022015). Collection method: clinical testing. Allele origin: germline.
Comment: Algorithms developed to predict the effect of missense changes on protein structure and function (SIFT, PolyPhen-2, Align-GVGD) all suggest that this variant is likely to be disruptive. This sequence change replaces lysine, which is basic and polar, with asparagine, which is neutral and polar, at codon 76 of the SDHAF2 protein (p.Lys76Asn). This variant is not present in population databases (gnomAD no frequency). This variant has not been reported in the literature in individuals affected with SDHAF2-related conditions. In summary, the available evidence is currently insufficient to determine the role of this variant in disease. Therefore, it has been classified as a Variant of Uncertain Significance.